The following is an entry in ClinVar:

NM_001003800.2(BICD2):c.1709_1726del (p.Gly570_Pro575del)

Gene: BICD2 (BICD cargo adaptor 2; minus strand). Cytogenetic location: 9q22.31.
Variant type: Deletion.
Coding change: c.1709_1726del on transcript NM_001003800.2 (MANE Select); coding-DNA positions 1709 to 1726, 18 bases deleted (GGGGCCGCACCAGCCCCG).
Protein change: p.Gly570_Pro575del.
Molecular consequence: inframe deletion.
Genome position (GRCh38, 1-based): chr9:92,718,919-92,718,936, CGGGGCTGGTGCGGCCCC deleted on the plus strand (GGGGCCGCACCAGCCCCG on the coding strand, the reverse complement: BICD2 is on the minus strand); deleting any 18 consecutive bases within chr9:92,718,919-92,718,940 gives the same sequence; the c. name uses the placement nearest the transcript's 3' end. VCF-style (leftmost placement, unchanged base first): chr9-92718918-TCGGGGCTGGTGCGGCCCC-T. GRCh37 (hg19) VCF-style: chr9-95481200-TCGGGGCTGGTGCGGCCCC-T.
Other names: c.1709_1726del (NM_001003800.1); c.1709_1726del, p.Gly570_Pro575del (NM_015250.4); c.1709_1726delGGGGCCGCACCAGCCCCG (NM_001003800.1).
Identifiers: ClinVar variation 575432 (VCV000575432.8), dbSNP rs1333312158, ClinGen allele CA589579138.
Genomic context (GRCh38, chr9:92,718,918, plus strand): 5'-CCCGCCTCAGGAGCCAGCAGCCCCTTGGGTAGGAGGATGGGTGAGCGCCGGCCACGCGCC[TCGGGGCTGGTGCGGCCCC>T]CGGGACTGGTGCGGCCGGCCCCGCCCTGGCCCTCGCGGTAGTAGTCCAGCATGACACGGT-3'

ClinVar aggregate classification (germline): Uncertain significance. Review status: criteria provided, multiple submitters, no conflicts (2 of 4 stars). 2 submissions from 2 submitters: Uncertain significance (2). Last evaluated 2025-07-14.

Conditions:
Autosomal dominant childhood-onset proximal spinal muscular atrophy with contractures (SMALED2A). Also called: Spinal muscular atrophy, lower extremity-predominant, 2A, autosomal dominant; SPINAL MUSCULAR ATROPHY, LOWER EXTREMITY-PREDOMINANT, 2A, CHILDHOOD ONSET, AUTOSOMAL DOMINANT. Identifiers: Orphanet 363447, Orphanet 363454, MedGen C4747715, MONDO:0014121, OMIM 615290.

Submissions (2):

Labcorp Genetics (formerly Invitae), Labcorp
Classification: Uncertain significance for Autosomal dominant childhood-onset proximal spinal muscular atrophy with contractures. Last evaluated: 2025-07-14. Review status: criteria provided, single submitter. Criteria: Invitae Variant Classification Sherloc (09022015). Collection method: clinical testing. Allele origin: germline.
Comment: This variant, c.1709_1726del, results in the deletion of 6 amino acid(s) of the BICD2 protein (p.Gly570_Pro575del), but otherwise preserves the integrity of the reading frame. This variant is present in population databases (no rsID available, gnomAD 0.02%). This variant has not been reported in the literature in individuals affected with BICD2-related conditions. ClinVar contains an entry for this variant (Variation ID: 575432). Experimental studies and prediction algorithms are not available or were not evaluated, and the functional significance of this variant is currently unknown. In summary, the available evidence is currently insufficient to determine the role of this variant in disease. Therefore, it has been classified as a Variant of Uncertain Significance.

GeneDx
Classification: Uncertain significance. Last evaluated: 2024-10-26. Review status: criteria provided, single submitter. Criteria: GeneDx Variant Classification Process June 2021. Collection method: clinical testing. Allele origin: germline. Affected: yes.
Comment: In-frame deletion of 6 amino acid(s) in a non-repeat region; In silico analysis indicates that this variant does not alter protein structure/function; Has not been previously published as pathogenic or benign to our knowledge